The following is an entry in ClinVar:

ClinVar aggregate classification (germline): Uncertain significance. Review status: criteria provided, multiple submitters, no conflicts (2 of 4 stars). 2 submissions from 2 submitters: Uncertain significance (2). Last evaluated 2026-09-03.

Conditions:
Gastrointestinal stromal tumor. Also called: Gastrointestinal stromal tumor, somatic; Gastrointestinal stroma tumor. Identifiers: Orphanet 44890, MedGen C0238198, MeSH D046152, MONDO:0011719, OMIM 606764, HP:0100723.
Hereditary cancer-predisposing syndrome. Also called: Hereditary Cancer Syndrome; Hereditary neoplastic syndrome; Neoplastic Syndromes, Hereditary; Tumor predisposition. Identifiers: Orphanet 140162, MedGen C0027672, MeSH D009386, MONDO:0015356.

Allele frequency attached by ClinVar (database versions not stated): gnomAD 0.00001; TOPMed below 0.00001.
gnomAD v4.1: 1 of 1,614,006 alleles (0.000062%); highest among the groups gnomAD compares: East Asian, 0.0022%; no homozygotes.

Submissions (2):

Ambry Genetics
Classification: Uncertain significance for Hereditary cancer-predisposing syndrome. Last evaluated: 2026-09-03. Review status: criteria provided, single submitter. Criteria: Ambry Variant Classification Scheme 2023. Collection method: clinical testing. Allele origin: germline.
Comment: The p.K702E variant (also known as c.2104A>G), located in coding exon 14 of the PDGFRA gene, results from an A to G substitution at nucleotide position 2104. The lysine at codon 702 is replaced by glutamic acid, an amino acid with similar properties. This amino acid position is conserved. In addition, the in silico prediction for this alteration is inconclusive. Based on the available evidence, the clinical significance of this variant remains unclear.

Labcorp Genetics (formerly Invitae), Labcorp
Classification: Uncertain significance for Gastrointestinal stromal tumor. Last evaluated: 2025-06-30. Review status: criteria provided, single submitter. Criteria: Invitae Variant Classification Sherloc (09022015). Collection method: clinical testing. Allele origin: germline.
Comment: This sequence change replaces lysine, which is basic and polar, with glutamic acid, which is acidic and polar, at codon 702 of the PDGFRA protein (p.Lys702Glu). This variant is present in population databases (no rsID available, gnomAD 0.06%). This variant has not been reported in the literature in individuals affected with PDGFRA-related conditions. ClinVar contains an entry for this variant (Variation ID: 2884250). Invitae Evidence Modeling of protein sequence and biophysical properties (such as structural, functional, and spatial information, amino acid conservation, physicochemical variation, residue mobility, and thermodynamic stability) indicates that this missense variant is not expected to disrupt PDGFRA protein function with a negative predictive value of 80%. In summary, the available evidence is currently insufficient to determine the role of this variant in disease. Therefore, it has been classified as a Variant of Uncertain Significance.

NM_006206.6(PDGFRA):c.2104A>G (p.Lys702Glu)

Gene: PDGFRA (platelet derived growth factor receptor alpha; plus strand). Cytogenetic location: 4q12.
Variant type: single nucleotide variant.
Coding change: c.2104A>G on transcript NM_006206.6 (MANE Select); coding-DNA position 2104, A replaced by G.
Protein change: p.Lys702Glu; replaces lysine 702 with glutamic acid.
Molecular consequence: missense variant.
Genome position (GRCh38, 1-based): chr4:54,278,463, A>G. VCF-style: chr4-54278463-A-G. GRCh37 (hg19) VCF-style: chr4-55144630-A-G.
Other names: c.2104A>G, p.Lys702Glu (NM_001347827.2, NM_001347829.2); c.2179A>G, p.Lys727Glu (NM_001347828.2); c.2143A>G, p.Lys715Glu (NM_001347830.2); short protein forms K702E, K715E, K727E.
Identifiers: ClinVar variation 2884250 (VCV002884250.4), dbSNP rs1262195275, ClinGen allele CA356894057.